The following is an entry in ClinVar:

ClinVar aggregate classification (germline): Conflicting classifications of pathogenicity. Review status: criteria provided, conflicting classifications (1 of 4 stars). 3 submissions from 3 submitters: Uncertain significance (1); Likely benign (1). 1 of the submissions does not count toward it. Last evaluated 2025-04-29.

Conditions:
BBS4-related disorder. Also called: BBS4-related condition.
Bardet-Biedl syndrome (BBS). Identifiers: Orphanet 110, MedGen C0752166, MONDO:0015229.
Bardet-Biedl syndrome 4 (BBS4). Identifiers: Orphanet 110, MedGen C2936864, MONDO:0014433, OMIM 615982.

Allele frequency attached by ClinVar (database versions not stated): gnomAD 0.00001; gnomAD exomes 0.00001; TOPMed 0.00001.
gnomAD v4.1: 20 of 1,614,022 alleles (0.0012%); highest among the groups gnomAD compares: Non-Finnish European, 0.0016%; no homozygotes.

Submissions (3):

Labcorp Genetics (formerly Invitae), Labcorp
Classification: Likely benign for Bardet-Biedl syndrome. Last evaluated: 2025-04-29. Review status: criteria provided, single submitter. Criteria: Invitae Variant Classification Sherloc (09022015). Collection method: clinical testing. Allele origin: germline.

Illumina Laboratory Services, Illumina
Classification: Uncertain significance for Bardet-Biedl syndrome 4. Last evaluated: 2018-01-13. Review status: criteria provided, single submitter. Criteria: ICSL Variant Classification Criteria 13 December 2019. Collection method: clinical testing. Allele origin: germline.

PreventionGenetics, part of Exact Sciences
Classification: Likely benign for BBS4-related condition. Last evaluated: 2023-03-09. Review status: no assertion criteria provided. Collection method: clinical testing. Allele origin: germline. Not counted in ClinVar's aggregate classification.
Comment: This variant is classified as likely benign based on ACMG/AMP sequence variant interpretation guidelines (Richards et al. 2015 PMID: 25741868, with internal and published modifications).

NM_033028.5(BBS4):c.1029C>T (p.Leu343=)

Gene: BBS4 (Bardet-Biedl syndrome 4; plus strand). Cytogenetic location: 15q24.1.
Variant type: single nucleotide variant.
Coding change: c.1029C>T on transcript NM_033028.5 (MANE Select); coding-DNA position 1029, C replaced by T.
Protein change: p.Leu343=; no amino-acid change (leucine 343 retained).
Molecular consequence: synonymous variant. On other transcripts: non-coding transcript variant (2).
Genome position (GRCh38, 1-based): chr15:72,731,719, C>T. VCF-style: chr15-72731719-C-T. GRCh37 (hg19) VCF-style: chr15-73024060-C-T.
Other names: c.513C>T, p.Leu171= (NM_001252678.2); c.960C>T, p.Leu320= (NM_001320665.2).
Identifiers: ClinVar variation 884568 (VCV000884568.14), dbSNP rs1000977139, ClinGen allele CA272645602.